The following is an entry in ClinVar:

ClinVar aggregate classification (germline): Uncertain significance (1 of 4 stars; one submission).

Conditions:
Lethal Kniest-like syndrome (DDSH). Also called: Dyssegmental Dysplasia. Identifiers: Orphanet 1865, MedGen C1857100, MONDO:0009140, OMIM 224410.
Schwartz-Jampel syndrome type 1 (SJS1). Also called: MYOTONIC MYOPATHY, DWARFISM, CHONDRODYSTROPHY, AND OCULAR AND FACIAL ABNORMALITIES; CHONDRODYSTROPHIC MYOTONIA. Identifiers: MedGen C4551479, MONDO:0100435, OMIM 255800.

Submission:

Obstetrics Unit, Tongji Hospital, Huazhong University of Science and Technology
Classification: Uncertain significance for Lethal Kniest-like syndrome; Schwartz-Jampel syndrome type 1. Last evaluated: 2024-12-25. Review status: criteria provided, single submitter. Criteria: ACMG Guidelines, 2015. Collection method: clinical testing. Allele origin: unknown.
Comment: HSPG2:NM_005529.7:exon1sc.34 4sdel:p.A12 Lisdel variant: significance indicated (PM2+PM4) Moderate pathogenicity PM2: this variant is not detected in the Human Exome Database (ExAC), the Reference Population 1,000G and the Population Genome Mutation Frequency Database (gnomAD). Moderate evidence of pathogenicity PM4: This variant is a deletion variant that results in a change in protein length but does not cause a change in the open reading frame.

NM_005529.7(HSPG2):c.22GCGCTGCTGCTG[1] (p.8ALLL[1])

Gene: HSPG2 (heparan sulfate proteoglycan 2; minus strand). Cytogenetic location: 1p36.12.
Variant type: Microsatellite.
Coding change: c.22GCGCTGCTGCTG[1] on transcript NM_005529.7 (MANE Select); one copy of the 12-base unit GCGCTGCTGCTG starting at c.22; the reference has two copies in a row; one copy, 12 bases deleted; also written c.34_45del.
Protein change: p.8ALLL[1].
Genome position (GRCh38, 1-based): chr1:21,937,173-21,937,184, CAGCAGCAGCGC deleted on the plus strand (GCGCTGCTGCTG on the coding strand, the reverse complement: HSPG2 is on the minus strand); deleting any 12 consecutive bases within chr1:21,937,173-21,937,196 gives the same sequence; the position shown is the placement nearest the transcript's 3' end. VCF-style (leftmost placement, unchanged base first): chr1-21937172-GCAGCAGCAGCGC-G. GRCh37 (hg19) VCF-style: chr1-22263665-GCAGCAGCAGCGC-G.
Other names: c.34_45del (NM_005529.7); c.22GCGCTGCTGCTG[1], p.8ALLL[1] (NM_001291860.2).
Identifiers: ClinVar variation 3600346 (VCV003600346.1).